The following is an entry in ClinVar:

NM_004999.4(MYO6):c.1216G>C (p.Val406Leu)

Gene: MYO6 (myosin VI; plus strand). Cytogenetic location: 6q14.1.
Variant type: single nucleotide variant.
Coding change: c.1216G>C on transcript NM_004999.4 (MANE Select); coding-DNA position 1216, G replaced by C.
Protein change: p.Val406Leu; replaces valine 406 with leucine.
Molecular consequence: missense variant. On other transcripts: non-coding transcript variant (1).
Genome position (GRCh38, 1-based): chr6:75,855,276, G>C. VCF-style: chr6-75855276-G-C. GRCh37 (hg19) VCF-style: chr6-76564993-G-C.
Other names: c.1216G>C, p.Val406Leu (NM_001300899.2, NM_001368136.1, NM_001368137.1 and 2 more transcripts); c.1201G>C, p.Val401Leu (NM_001368138.1); short protein forms V401L, V406L.
Identifiers: ClinVar variation 1804452 (VCV001804452.4), dbSNP rs377562418, ClinGen allele CA141055100.
Genomic context (GRCh38, chr6:75,855,276, plus strand): 5'-CTTCGAGTAAGTTTGACCACAAGAGTCATGCTAACAACAGCAGGGGGCACCAAAGGAACA[G>C]TTATAAAGTAAGTTCCTTAAGTAATTGCACTGCAAAAATTTTGCCTTGCAGTTTGTCAAG-3'
Protein context (NP_004990.3, residues 396-416): LTTAGGTKGT[Val406Leu]IKVPLKVEQA

ClinVar aggregate classification (germline): Uncertain significance. Review status: criteria provided, multiple submitters, no conflicts (2 of 4 stars). 2 submissions from 2 submitters: Uncertain significance (2). Last evaluated 2023-08-11.

Allele frequency attached by ClinVar (database versions not stated): gnomAD 0.00002; TOPMed 0.00002.
gnomAD v4.1: 36 of 1,613,240 alleles (0.0022%); highest among the groups gnomAD compares: Non-Finnish European, 0.003%; no homozygotes.

Submissions (2):

Labcorp Genetics (formerly Invitae), Labcorp
Classification: Uncertain significance. Last evaluated: 2023-08-11. Review status: criteria provided, single submitter. Criteria: Invitae Variant Classification Sherloc (09022015). Collection method: clinical testing. Allele origin: germline.
Comment: ClinVar contains an entry for this variant (Variation ID: 1804452). In summary, the available evidence is currently insufficient to determine the role of this variant in disease. Therefore, it has been classified as a Variant of Uncertain Significance. Advanced modeling of protein sequence and biophysical properties (such as structural, functional, and spatial information, amino acid conservation, physicochemical variation, residue mobility, and thermodynamic stability) performed at Invitae indicates that this missense variant is not expected to disrupt MYO6 protein function. This variant has not been reported in the literature in individuals affected with MYO6-related conditions. This variant is present in population databases (no rsID available, gnomAD 0.002%). This sequence change replaces valine, which is neutral and non-polar, with leucine, which is neutral and non-polar, at codon 406 of the MYO6 protein (p.Val406Leu).

GeneDx
Classification: Uncertain significance. Last evaluated: 2022-06-16. Review status: criteria provided, single submitter. Criteria: GeneDx Variant Classification Process June 2021. Collection method: clinical testing. Allele origin: germline. Affected: yes.
Comment: In silico analysis supports that this missense variant does not alter protein structure/function; Has not been previously published as pathogenic or benign to our knowledge